The following is an entry in ClinVar:

ClinVar aggregate classification (germline): Uncertain significance (1 of 4 stars; one submission).

Submission:

Labcorp Genetics (formerly Invitae), Labcorp
Classification: Uncertain significance. Last evaluated: 2022-07-09. Review status: criteria provided, single submitter. Criteria: Invitae Variant Classification Sherloc (09022015). Collection method: clinical testing. Allele origin: germline.
Comment: This sequence change replaces arginine, which is basic and polar, with glutamine, which is neutral and polar, at codon 960 of the TRRAP protein (p.Arg960Gln). This variant is not present in population databases (gnomAD no frequency). This variant has not been reported in the literature in individuals affected with TRRAP-related conditions. Algorithms developed to predict the effect of missense changes on protein structure and function are either unavailable or do not agree on the potential impact of this missense change (SIFT: "Deleterious"; PolyPhen-2: "Possibly Damaging"; Align-GVGD: "Class C0"). In summary, the available evidence is currently insufficient to determine the role of this variant in disease. Therefore, it has been classified as a Variant of Uncertain Significance.

NM_001375524.1(TRRAP):c.2879G>A (p.Arg960Gln)

Gene: TRRAP (transformation/transcription domain associated protein; plus strand). Cytogenetic location: 7q22.1.
Variant type: single nucleotide variant.
Coding change: c.2879G>A on transcript NM_001375524.1 (MANE Select); coding-DNA position 2879, G replaced by A.
Protein change: p.Arg960Gln; replaces arginine 960 with glutamine.
Molecular consequence: missense variant.
Genome position (GRCh38, 1-based): chr7:98,925,167, G>A. VCF-style: chr7-98925167-G-A. GRCh37 (hg19) VCF-style: chr7-98522790-G-A.
Other names: c.2879G>A, p.Arg960Gln (NM_001244580.2, NM_003496.4); short protein forms R960Q.
Identifiers: ClinVar variation 2015619 (VCV002015619.4), dbSNP rs2116485268, ClinGen allele CA368294993.